The following is an entry in ClinVar:

ClinVar aggregate classification (germline): Uncertain significance (1 of 4 stars; one submission).

Submission:

Labcorp Genetics (formerly Invitae), Labcorp
Classification: Uncertain significance. Last evaluated: 2025-02-24. Review status: criteria provided, single submitter. Criteria: Invitae Variant Classification Sherloc (09022015). Collection method: clinical testing. Allele origin: germline.
Comment: This sequence change affects a donor splice site in intron 15 of the ADGRE2 gene. It is expected to disrupt RNA splicing. Variants that disrupt the donor or acceptor splice site typically lead to a loss of protein function (PMID: 16199547), however the current clinical and genetic evidence is not sufficient to establish whether loss-of-function variants in ADGRE2 cause disease. This variant is not present in population databases (gnomAD no frequency). This variant has not been reported in the literature in individuals affected with ADGRE2-related conditions. Algorithms developed to predict the effect of sequence changes on RNA splicing suggest that this variant may disrupt the consensus splice site. In summary, the available evidence is currently insufficient to determine the role of this variant in disease. Therefore, it has been classified as a Variant of Uncertain Significance.

Literature cited by the submitters: PubMed 16199547.

NM_013447.4(ADGRE2):c.1788+1G>A

Gene: ADGRE2 (adhesion G protein-coupled receptor E2; minus strand). Cytogenetic location: 19p13.12.
Variant type: single nucleotide variant.
Coding change: c.1788+1G>A on transcript NM_013447.4 (MANE Select); the canonical splice donor site of the intron after coding-DNA position 1788, G replaced by A.
Molecular consequence: splice donor variant.
Genome position (GRCh38, 1-based): chr19:14,752,328, C>T on the plus strand (G>A on the coding strand, the complement: ADGRE2 is on the minus strand). VCF-style: chr19-14752328-C-T. GRCh37 (hg19) VCF-style: chr19-14863140-C-T.
Other names: c.1509+1G>A (NM_152917.2); c.1641+1G>A (NM_152916.2); c.1614+1G>A (NM_001271052.1).
Identifiers: ClinVar variation 4704397 (VCV004704397.1).
Genomic context (GRCh38, chr19:14,752,328, plus strand): 5'-TCCATGAGCCAGCGTGTCCTGCGTCAAGGAAGGGAGCCCTCTGGAACACCGCTGTCAATA[C>T]CTTGTGTCCGGTTTGATCAATTGCCACGAGGAAGAGGAGGTGGGCCAGGAAGAGGCAGAG-3'